The following is an entry in ClinVar:

NM_003793.4(CTSF):c.871_872del (p.Met291fs)

Gene: CTSF (cathepsin F; minus strand). Cytogenetic location: 11q13.2.
Variant type: Deletion.
Coding change: c.871_872del on transcript NM_003793.4 (MANE Select); coding-DNA positions 871 to 872, 2 bases deleted (AT; older notation c.871_872delAT).
Protein change: p.Met291fs; shifts the reading frame from methionine 291.
Molecular consequence: frameshift variant.
Genome position (GRCh38, 1-based): chr11:66,565,923-66,565,924, AT deleted on the plus strand (AT on the coding strand, the reverse complement: CTSF is on the minus strand). VCF-style (leftmost placement, unchanged base first): chr11-66565922-CAT-C. GRCh37 (hg19) VCF-style: chr11-66333393-CAT-C.
Other names: short protein forms M291fs.
Identifiers: ClinVar variation 4765938 (VCV004765938.4).

ClinVar aggregate classification (germline): Pathogenic/Likely pathogenic. Review status: criteria provided, multiple submitters, no conflicts (2 of 4 stars). 2 submissions from 2 submitters: Pathogenic (1); Likely pathogenic (1). Last evaluated 2025-11-12.

Conditions:
Neuronal ceroid lipofuscinosis 13 (CLN13). Also called: CLN13 Disease; CEROID LIPOFUSCINOSIS, NEURONAL, 13 (KUFS TYPE). Identifiers: Orphanet 352709, Orphanet 79262, MedGen C3715049, MONDO:0014147, OMIM 615362.

Submissions (2):

Labcorp Genetics (formerly Invitae), Labcorp
Classification: Pathogenic for Neuronal ceroid lipofuscinosis 13. Last evaluated: 2025-11-12. Review status: criteria provided, single submitter. Criteria: Invitae Variant Classification Sherloc (09022015). Collection method: clinical testing. Allele origin: germline.
Comment: This sequence change creates a premature translational stop signal (p.Met291Valfs*29) in the CTSF gene. It is expected to result in an absent or disrupted protein product. Loss-of-function variants in CTSF are known to be pathogenic (PMID: 23297359, 25274848). This variant is present in population databases (rs777967311, gnomAD 0.03%). This variant has not been reported in the literature in individuals affected with CTSF-related conditions. For these reasons, this variant has been classified as Pathogenic.

Juno Genomics, Hangzhou Juno Genomics, Inc
Classification: Likely pathogenic for Neuronal ceroid lipofuscinosis 13. Review status: criteria provided, single submitter. Criteria: ACMG Guidelines, 2015. Collection method: clinical testing. Allele origin: germline.
Comment: Null variant in a gene where loss of function (LOF) is a known mechanism of disease.;Absent from controls (or at extremely low frequency if recessive) in Genome Aggregation Database.

Literature cited by the submitters: PubMed 23297359 (cited by Labcorp Genetics (formerly Invitae), Labcorp); PubMed 25274848 (cited by Labcorp Genetics (formerly Invitae), Labcorp).